The following is an entry in ClinVar:

NM_003002.4(SDHD):c.113G>T (p.Arg38Leu)

Gene: SDHD (succinate dehydrogenase complex subunit D; plus strand). Cytogenetic location: 11q23.1.
Variant type: single nucleotide variant.
Coding change: c.113G>T on transcript NM_003002.4 (MANE Select); coding-DNA position 113, G replaced by T.
Protein change: p.Arg38Leu; replaces arginine 38 with leucine.
Molecular consequence: missense variant. On other transcripts: non-coding transcript variant (1), intron variant (1).
Genome position (GRCh38, 1-based): chr11:112,087,917, G>T. VCF-style: chr11-112087917-G-T. GRCh37 (hg19) VCF-style: chr11-111958641-G-T.
Other names: c.53-950G>T (NM_001276504.2); c.113G>T, p.Arg38Leu (NM_001276503.2, NM_001276506.2); short protein forms R38L.
Identifiers: ClinVar variation 3749418 (VCV003749418.2).

ClinVar aggregate classification (germline): Uncertain significance (1 of 4 stars; one submission).

Conditions:
Cowden syndrome 3 (CWS3). Identifiers: Orphanet 201, MedGen CN166604, MONDO:0014045.
Pheochromocytoma. Also called: MAX-Related Hereditary Paraganglioma-Pheochromocytoma Syndrome. Identifiers: Orphanet 29072, MedGen C0031511, MONDO:0008233, OMIM 171300, HP:0002666.
Paragangliomas with sensorineural hearing loss. Identifiers: MedGen C1868633.
Carney-Stratakis syndrome. Also called: PARAGANGLIOMA AND GASTROINTESTINAL STROMAL TUMOR. Identifiers: Orphanet 97286, MedGen C1847319, MONDO:0011740, OMIM 606864.

Submission:

Labcorp Genetics (formerly Invitae), Labcorp
Classification: Uncertain significance for Carney-Stratakis syndrome; Paragangliomas with sensorineural hearing loss; Pheochromocytoma; Cowden syndrome 3. Last evaluated: 2024-02-18. Review status: criteria provided, single submitter. Criteria: Invitae Variant Classification Sherloc (09022015). Collection method: clinical testing. Allele origin: germline.
Comment: This sequence change replaces arginine, which is basic and polar, with leucine, which is neutral and non-polar, at codon 38 of the SDHD protein (p.Arg38Leu). This variant is not present in population databases (gnomAD no frequency). This variant has not been reported in the literature in individuals affected with SDHD-related conditions. Advanced modeling of protein sequence and biophysical properties (such as structural, functional, and spatial information, amino acid conservation, physicochemical variation, residue mobility, and thermodynamic stability) has been performed at Invitae for this missense variant, however the output from this modeling did not meet the statistical confidence thresholds required to predict the impact of this variant on SDHD protein function. In summary, the available evidence is currently insufficient to determine the role of this variant in disease. Therefore, it has been classified as a Variant of Uncertain Significance.